The following is an entry in ClinVar:

NM_020937.4(FANCM):c.431A>C (p.Lys144Thr)

Gene: FANCM (FA complementation group M; plus strand). Cytogenetic location: 14q21.2.
Variant type: single nucleotide variant.
Coding change: c.431A>C on transcript NM_020937.4 (MANE Select); coding-DNA position 431, A replaced by C.
Protein change: p.Lys144Thr; replaces lysine 144 with threonine.
Molecular consequence: missense variant.
Genome position (GRCh38, 1-based): chr14:45,136,462, A>C. VCF-style: chr14-45136462-A-C. GRCh37 (hg19) VCF-style: chr14-45605665-A-C.
Other names: c.431A>C, p.Lys144Thr (NM_001308133.2, NM_001308134.2); short protein forms K144T.
Identifiers: ClinVar variation 2849402 (VCV002849402.3), dbSNP rs1399481647, ClinGen allele CA389588234.
Genomic context (GRCh38, chr14:45,136,462, plus strand): 5'-TCATGTACAATTTCTACCGCTGGTTCCCTTCAGGAAAGGTGGTCTTCATGGCCCCAACGA[A>C]ACCCTTGGTGACACAGCAGATCGAGGCTTGCTACCAGGTGATGGGTATCCCGCAATCCCA-3'
Protein context (NP_065988.1, residues 134-154): SGKVVFMAPT[Lys144Thr]PLVTQQIEAC

ClinVar aggregate classification (germline): Uncertain significance. Review status: criteria provided, multiple submitters, no conflicts (2 of 4 stars). 2 submissions from 2 submitters: Uncertain significance (2). Last evaluated 2025-02-21.

Conditions:
Fanconi anemia (FA). Also called: Fanconi's anemia. Identifiers: Orphanet 84, MedGen C0015625, MeSH D005199, MONDO:0019391.
Inborn genetic diseases. Identifiers: MedGen C0950123, MeSH D030342.

Submissions (2):

Ambry Genetics
Classification: Uncertain significance for Inborn genetic diseases. Last evaluated: 2025-02-21. Review status: criteria provided, single submitter. Criteria: Ambry Variant Classification Scheme 2023. Collection method: clinical testing. Allele origin: germline.
Comment: The p.K144T variant (also known as c.431A>C), located in coding exon 1 of the FANCM gene, results from an A to C substitution at nucleotide position 431. The lysine at codon 144 is replaced by threonine, an amino acid with similar properties. This amino acid position is conserved. In addition, this alteration is predicted to be tolerated by in silico analysis. Based on the available evidence, the clinical significance of this variant remains unclear.

Labcorp Genetics (formerly Invitae), Labcorp
Classification: Uncertain significance for Fanconi anemia. Last evaluated: 2023-03-24. Review status: criteria provided, single submitter. Criteria: Invitae Variant Classification Sherloc (09022015). Collection method: clinical testing. Allele origin: germline.
Comment: In summary, the available evidence is currently insufficient to determine the role of this variant in disease. Therefore, it has been classified as a Variant of Uncertain Significance. An algorithm developed to predict the effect of missense changes on protein structure and function (PolyPhen-2) suggests that this variant is likely to be disruptive. This variant has not been reported in the literature in individuals affected with FANCM-related conditions. This variant is present in population databases (no rsID available, gnomAD 0.003%). This sequence change replaces lysine, which is basic and polar, with threonine, which is neutral and polar, at codon 144 of the FANCM protein (p.Lys144Thr).